The following is an entry in ClinVar:

ClinVar aggregate classification (germline): Uncertain significance (1 of 4 stars; one submission).

Conditions:
Primary ciliary dyskinesia. Also called: Ciliary dyskinesia. Identifiers: Orphanet 244, MedGen C0008780, MONDO:0016575, HP:0012265.

Submission:

Labcorp Genetics (formerly Invitae), Labcorp
Classification: Uncertain significance for Primary ciliary dyskinesia. Last evaluated: 2024-07-01. Review status: criteria provided, single submitter. Criteria: Invitae Variant Classification Sherloc (09022015). Collection method: clinical testing. Allele origin: germline.
Comment: This sequence change replaces glutamic acid, which is acidic and polar, with valine, which is neutral and non-polar, at codon 1049 of the RPGR (ORF15) protein (p.Glu1049Val). This variant is not present in population databases (gnomAD no frequency). This variant has not been reported in the literature in individuals affected with RPGR (ORF15)-related conditions. Advanced modeling of protein sequence and biophysical properties (such as structural, functional, and spatial information, amino acid conservation, physicochemical variation, residue mobility, and thermodynamic stability) performed at Invitae indicates that this missense variant is not expected to disrupt RPGR (ORF15) protein function with a negative predictive value of 95%. In summary, the available evidence is currently insufficient to determine the role of this variant in disease. Therefore, it has been classified as a Variant of Uncertain Significance.

NM_001034853.2(RPGR):c.3146A>T (p.Glu1049Val)

Gene: RPGR (retinitis pigmentosa GTPase regulator; minus strand). Cytogenetic location: Xp11.4.
Variant type: single nucleotide variant.
Coding change: c.3146A>T on transcript NM_001034853.2 (MANE Select); coding-DNA position 3146, A replaced by T.
Protein change: p.Glu1049Val; replaces glutamic acid 1049 with valine.
Molecular consequence: missense variant. On other transcripts: intron variant (8).
Genome position (GRCh38, 1-based): chrX:38,285,853, T>A on the plus strand (A>T on the coding strand, the complement: RPGR is on the minus strand). VCF-style: chrX-38285853-T-A. GRCh37 (hg19) VCF-style: chrX-38145106-T-A.
Other names: c.1569+5106A>T (NM_001367249.1, NM_001367250.1); c.1902+1241A>T (NM_001367245.1); c.1386+5106A>T (NM_001367251.1); c.1719+1241A>T (NM_001367246.1); c.1572+5106A>T (NM_001367247.1); c.1905+1241A>T (NM_000328.3); c.1602+5106A>T (NM_001367248.1); short protein forms E1049V.
Identifiers: ClinVar variation 3673812 (VCV003673812.2).
Genomic context (GRCh38, chrX:38,285,853, plus strand): 5'-TACTTCCCCTCTTCTTCCTCCTCCTCTTCTCTGTTCCTCCTGTTTTCTTCTCCTTCCCCC[T>A]CCTTTTCCCTTTCTTCTCCTTCCTCCTCTCCTTCCTCTTCCTCTCCTTCCCCCTCTCCTT-3'
Protein context (NP_001030025.1, residues 1039-1059): GEEEGEEREK[Glu1049Val]GEGEENRRNR